The following is an entry in ClinVar:

NM_006567.5(FARS2):c.634G>A (p.Gly212Arg)

Gene: FARS2 (phenylalanyl-tRNA synthetase 2, mitochondrial; plus strand). Cytogenetic location: 6p25.1.
Variant type: single nucleotide variant.
Coding change: c.634G>A on transcript NM_006567.5 (MANE Select); coding-DNA position 634, G replaced by A.
Protein change: p.Gly212Arg; replaces glycine 212 with arginine.
Molecular consequence: missense variant. On other transcripts: 5 prime UTR variant (2).
Genome position (GRCh38, 1-based): chr6:5,404,563, G>A. VCF-style: chr6-5404563-G-A. GRCh37 (hg19) VCF-style: chr6-5404796-G-A.
Other names: c.634G>A, p.Gly212Arg (NM_001374877.1, NM_001374878.1, NM_001374879.1 and 5 more transcripts); c.-63G>A (NM_001375259.1, NM_001375260.1); short protein forms G212R.
Identifiers: ClinVar variation 1328381 (VCV001328381.11), dbSNP rs2127718498, ClinGen allele CA362735720.

ClinVar aggregate classification (germline): Uncertain significance. Review status: criteria provided, single submitter (1 of 4 stars). 2 submissions from 2 submitters: Uncertain significance (1). 1 of the submissions does not count toward it. Last evaluated 2025-05-01.

Conditions:
Combined oxidative phosphorylation defect type 14. Also called: Combined oxidative phosphorylation deficiency 14. Identifiers: Orphanet 319519, MedGen C4755312, MONDO:0013986, OMIM 614946.

Submissions (2):

CeGaT Center for Human Genetics Tuebingen
Classification: Uncertain significance. Last evaluated: 2025-05-01. Review status: criteria provided, single submitter. Criteria: CeGaT Center For Human Genetics Tuebingen Variant Classification Criteria Version 2. Collection method: clinical testing. Allele origin: germline. Affected: yes. Observed: 2 variant alleles.
Comment: FARS2: PM2, PM3, BP4

Institute of Human Genetics, Cologne University
Classification: Uncertain significance for Combined oxidative phosphorylation defect type 14. Review status: no assertion criteria provided. Collection method: clinical testing. Allele origin: unknown. Inheritance: Autosomal recessive inheritance. Affected: yes. Observed: 1 heterozygote. Not counted in ClinVar's aggregate classification.
Comment: compound-heterozygous with c.1082C>T